The following is an entry in ClinVar:

ClinVar aggregate classification (germline): Uncertain significance. Review status: criteria provided, multiple submitters, no conflicts (2 of 4 stars). 2 submissions from 2 submitters: Uncertain significance (2). Last evaluated 2025-04-21.

Conditions:
Combined immunodeficiency due to LRBA deficiency. Also called: Common variable immunodeficiency 8, with autoimmunity. Identifiers: Orphanet 445018, MedGen C3553512, MONDO:0013863, OMIM 614700.

Allele frequency attached by ClinVar (database versions not stated): gnomAD exomes below 0.00001 and 0.00001; TOPMed 0.00001; gnomAD 0.00001.
gnomAD v4.1: 21 of 1,612,482 alleles (0.0013%); highest among the groups gnomAD compares: South Asian, 0.0055%; no homozygotes.

Submissions (2):

Mayo Clinic Laboratories, Mayo Clinic
Classification: Uncertain significance. Last evaluated: 2025-04-21. Review status: criteria provided, single submitter. Criteria: ACMG Guidelines, 2015. Collection method: clinical testing. Allele origin: germline. Observed: 1 variant allele.
Comment: PM2_supporting

Labcorp Genetics (formerly Invitae), Labcorp
Classification: Uncertain significance for Combined immunodeficiency due to LRBA deficiency. Last evaluated: 2021-02-13. Review status: criteria provided, single submitter. Criteria: Invitae Variant Classification Sherloc (09022015). Collection method: clinical testing. Allele origin: germline.
Comment: In summary, the available evidence is currently insufficient to determine the role of this variant in disease. Therefore, it has been classified as a Variant of Uncertain Significance. Nucleotide substitutions within the consensus splice site are a relatively common cause of aberrant splicing (PMID: 17576681, 9536098). Algorithms developed to predict the effect of sequence changes on RNA splicing suggest that this variant may disrupt the consensus splice site, but this prediction has not been confirmed by published transcriptional studies. Algorithms developed to predict the effect of missense changes on protein structure and function are either unavailable or do not agree on the potential impact of this missense change (SIFT: "Tolerated"; PolyPhen-2: "Probably Damaging"; Align-GVGD: "Class C0"). This variant has not been reported in the literature in individuals with LRBA-related conditions. This variant is not present in population databases (ExAC no frequency). This sequence change replaces glycine with serine at codon 2076 of the LRBA protein (p.Gly2076Ser). The glycine residue is weakly conserved and there is a small physicochemical difference between glycine and serine. This variant also falls at the last nucleotide of exon 40, which is part of the consensus splice site for this exon.

Literature cited by the submitters: PubMed 17576681 (cited by Labcorp Genetics (formerly Invitae), Labcorp); PubMed 9536098 (cited by Labcorp Genetics (formerly Invitae), Labcorp).

NM_001364905.1(LRBA):c.6193G>A (p.Gly2065Ser)

Gene: LRBA (LPS responsive beige-like anchor protein; minus strand). Cytogenetic location: 4q31.3.
Variant type: single nucleotide variant.
Coding change: c.6193G>A on transcript NM_001364905.1 (MANE Select); coding-DNA position 6193, G replaced by A.
Protein change: p.Gly2065Ser; replaces glycine 2065 with serine.
Molecular consequence: missense variant.
Genome position (GRCh38, 1-based): chr4:150,590,713, C>T on the plus strand (G>A on the coding strand, the complement: LRBA is on the minus strand). VCF-style: chr4-150590713-C-T. GRCh37 (hg19) VCF-style: chr4-151511865-C-T.
Other names: p.Gly2076Ser; c.6193G>A, p.Gly2065Ser (NM_001367550.1, NM_001199282.3); c.6226G>A, p.Gly2076Ser (NM_006726.5); short protein forms G2065S, G2076S.
Identifiers: ClinVar variation 1424731 (VCV001424731.7), dbSNP rs200210443, ClinGen allele CA108378395.